The following is an entry in ClinVar:

ClinVar aggregate classification (germline): Uncertain significance. Review status: criteria provided, multiple submitters, no conflicts (2 of 4 stars). 2 submissions from 2 submitters: Uncertain significance (2). Last evaluated 2025-04-22.

Conditions:
Inborn genetic diseases. Identifiers: MedGen C0950123, MeSH D030342.
Microcephaly-intellectual disability-sensorineural hearing loss-epilepsy-abnormal muscle tone syndrome (NEDHSB). Also called: NEURODEVELOPMENTAL DISORDER WITH HEARING LOSS, SEIZURES, AND BRAIN ABNORMALITIES. Identifiers: Orphanet 457351, MedGen C4225276, MONDO:0014698, OMIM 616577.

Allele frequency attached by ClinVar (database versions not stated): gnomAD 0.00001; TOPMed below 0.00001; gnomAD exomes below 0.00001 and 0.00002.
gnomAD v4.1: 6 of 1,608,954 alleles (0.00037%); highest among the groups gnomAD compares: Non-Finnish European, 0.00051%; no homozygotes.

Submissions (2):

Labcorp Genetics (formerly Invitae), Labcorp
Classification: Uncertain significance for Microcephaly-intellectual disability-sensorineural hearing loss-epilepsy-abnormal muscle tone syndrome. Last evaluated: 2025-04-22. Review status: criteria provided, single submitter. Criteria: Invitae Variant Classification Sherloc (09022015). Collection method: clinical testing. Allele origin: germline.
Comment: This sequence change replaces glutamine, which is neutral and polar, with glutamic acid, which is acidic and polar, at codon 885 of the SPATA5 protein (p.Gln885Glu). This variant is present in population databases (no rsID available, gnomAD 0.003%). This variant has not been reported in the literature in individuals affected with SPATA5-related conditions. ClinVar contains an entry for this variant (Variation ID: 640376). Invitae Evidence Modeling of protein sequence and biophysical properties (such as structural, functional, and spatial information, amino acid conservation, physicochemical variation, residue mobility, and thermodynamic stability) indicates that this missense variant is not expected to disrupt SPATA5 protein function with a negative predictive value of 80%. In summary, the available evidence is currently insufficient to determine the role of this variant in disease. Therefore, it has been classified as a Variant of Uncertain Significance.

Ambry Genetics
Classification: Uncertain significance for Inborn genetic diseases. Last evaluated: 2023-12-07. Review status: criteria provided, single submitter. Criteria: Ambry Variant Classification Scheme 2023. Collection method: clinical testing. Allele origin: germline.

NM_145207.3(AFG2A):c.2653C>G (p.Gln885Glu)

Gene: AFG2A (AAA ATPase AFG2A; plus strand). Cytogenetic location: 4q28.1.
Variant type: single nucleotide variant.
Coding change: c.2653C>G on transcript NM_145207.3 (MANE Select); coding-DNA position 2653, C replaced by G.
Protein change: p.Gln885Glu; replaces glutamine 885 with glutamic acid.
Molecular consequence: missense variant.
Genome position (GRCh38, 1-based): chr4:123,314,035, C>G. VCF-style: chr4-123314035-C-G. GRCh37 (hg19) VCF-style: chr4-124235190-C-G.
Other names: c.2650C>G, p.Gln884Glu (NM_001345856.2); short protein forms Q885E, Q884E.
Identifiers: ClinVar variation 640376 (VCV000640376.6), dbSNP rs1387497334, ClinGen allele CA358228976.
Genomic context (GRCh38, chr4:123,314,035, plus strand): 5'-GCCTTGAGCACTGTGACACCTAGAATTCCTGAGTCATTGAGACGTTTTTATGAAGATTAT[C>G]AAGAGAAGAGTGGGCTGCATACACTCTGAGAAAATATATATATTCAAGATGCTGAAAATC-3'
Protein context (NP_660208.2, residues 875-893): ESLRRFYEDY[Gln885Glu]EKSGLHTL